The following is an entry in ClinVar:

NM_000548.5(TSC2):c.4989+6_4989+9del

Gene: TSC2 (TSC complex subunit 2; plus strand). Cytogenetic location: 16p13.3.
Variant type: Microsatellite.
Coding change: c.4989+6_4989+9del on transcript NM_000548.5 (MANE Select); bases 6 to 9 of the intron after coding-DNA position 4989, 4 bases deleted (TGAG; older notation c.4989+6_4989+9delTGAG).
Molecular consequence: splice donor variant.
Genome position (GRCh38, 1-based): chr16:2,086,877-2,086,880, TGAG deleted; deleting any 4 consecutive bases within chr16:2,086,872-2,086,880 gives the same sequence; the c. name uses the placement nearest the transcript's 3' end. VCF-style (leftmost placement, unchanged base first): chr16-2086871-GGTGA-G. GRCh37 (hg19) VCF-style: chr16-2136872-GGTGA-G.
Other names: c.4989+6_4989+9delTGAG (NM_000548.3); c.4920+6_4920+9del (NM_001114382.3); c.4860+6_4860+9del (NM_021055.3, NM_001370405.1); c.4791+6_4791+9del (NM_001363528.2); c.4857+6_4857+9del (NM_001370404.1); c.4788+6_4788+9del (NM_001077183.3); c.4680+6_4680+9del (NM_001318827.2); c.4257+6_4257+9del (NM_001318831.2); and 2 more.
Identifiers: ClinVar variation 536094 (VCV000536094.17), dbSNP rs1262967003, ClinGen allele CA620706063.

ClinVar aggregate classification (germline): Conflicting classifications of pathogenicity. Review status: criteria provided, conflicting classifications (1 of 4 stars). 4 submissions from 4 submitters: Uncertain significance (2); Likely benign (2). Last evaluated 2025-10-13.

Conditions:
Tuberous sclerosis syndrome (TSC). Also called: Tuberous Sclerosis Complex; Tuberous sclerosis. Identifiers: Orphanet 805, MedGen C0041341, MONDO:0001734.
Tuberous sclerosis 2 (TSC2). Identifiers: Orphanet 805, MedGen C1860707, MONDO:0013199, OMIM 613254.

Submissions (4):

Labcorp Genetics (formerly Invitae), Labcorp
Classification: Likely benign for Tuberous sclerosis 2. Last evaluated: 2025-10-13. Review status: criteria provided, single submitter. Criteria: Invitae Variant Classification Sherloc (09022015). Collection method: clinical testing. Allele origin: germline.

CeGaT Center for Human Genetics Tuebingen
Classification: Uncertain significance. Last evaluated: 2025-10-01. Review status: criteria provided, single submitter. Criteria: CeGaT Center For Human Genetics Tuebingen Variant Classification Criteria Version 2. Collection method: clinical testing. Allele origin: germline. Affected: yes. Observed: 1 variant allele.
Comment: TSC2: PM2

Color Diagnostics, LLC DBA Color Health
Classification: Uncertain significance for Tuberous sclerosis syndrome. Last evaluated: 2025-09-22. Review status: criteria provided, single submitter. Criteria: ACMG Guidelines, 2015. Collection method: clinical testing. Allele origin: germline.
Comment: This variant causes a deletion of four nucleotides at positions -6 to -9 in intron 38 of the TSC2 gene. Splice prediction tools suggest that this variant may disrupt RNA splicing. To our knowledge, RNA studies have not been reported for this variant. This variant has not been reported in individuals affected with TSC2-related disorders in the literature. This variant has been identified in 1/31410 chromosomes in the general population by the Genome Aggregation Database (gnomAD). The available evidence is insufficient to determine the role of this variant in disease conclusively. Therefore, this variant is classified as a Variant of Uncertain Significance.

GeneDx
Classification: Likely benign. Last evaluated: 2020-12-15. Review status: criteria provided, single submitter. Criteria: GeneDx Variant Classification Process June 2021. Collection method: clinical testing. Allele origin: germline. Affected: yes.